The following is an entry in ClinVar:

NM_001282225.2(ADA2):c.251T>C (p.Met84Thr)

Gene: ADA2 (adenosine deaminase 2; minus strand). Cytogenetic location: 22q11.1.
Variant type: single nucleotide variant.
Coding change: c.251T>C on transcript NM_001282225.2 (MANE Select); coding-DNA position 251, T replaced by C.
Protein change: p.Met84Thr; replaces methionine 84 with threonine.
Molecular consequence: missense variant. On other transcripts: intron variant (1).
Genome position (GRCh38, 1-based): chr22:17,209,427, A>G on the plus strand (T>C on the coding strand, the complement: ADA2 is on the minus strand). VCF-style: chr22-17209427-A-G. GRCh37 (hg19) VCF-style: chr22-17690317-A-G.
Other names: p.Met84Thr; c.251T>C, p.Met84Thr (NM_001282226.2); c.125T>C, p.Met42Thr (NM_001282227.2, NM_001282228.2); c.-38-2137T>C (NM_001282229.2); short protein forms M42T, M84T.
Identifiers: ClinVar variation 4281945 (VCV004281945.2).
Genomic context (GRCh38, chr22:17,209,427, plus strand): 5'-ATCCTTAGAATATTAAACACTTGACTTCTCTCAATGAGATGCTTGGCCTGGAAAAAGTGC[A>G]TGCTGGGTGGGAATATCAGGGTCCTCATGGCCTCCTTCATCTCAGCGATTTTGAGCGTCA-3'
Protein context (NP_001269154.1, residues 74-94): AMRTLIFPPS[Met84Thr]HFFQAKHLIE

ClinVar aggregate classification (germline): Uncertain significance. Review status: criteria provided, multiple submitters, no conflicts (2 of 4 stars). 2 submissions from 2 submitters: Uncertain significance (2). Last evaluated 2025-09-26.

gnomAD v4.1: 13 of 1,614,156 alleles (0.00081%); highest among the groups gnomAD compares: African/African-American, 0.016%; no homozygotes.

Submissions (2):

Mayo Clinic Laboratories, Mayo Clinic
Classification: Uncertain significance. Last evaluated: 2025-09-26. Review status: criteria provided, single submitter. Criteria: ACMG Guidelines, 2015. Collection method: clinical testing. Allele origin: germline. Observed: 1 variant allele.

GeneDx
Classification: Uncertain significance. Last evaluated: 2025-04-08. Review status: criteria provided, single submitter. Criteria: GeneDx Variant Classification Process June 2021. Collection method: clinical testing. Allele origin: germline. Affected: yes.
Comment: Not observed at significant frequency in large population cohorts (gnomAD); In silico analysis supports that this missense variant has a deleterious effect on protein structure/function; Has not been previously published as pathogenic or benign to our knowledge